The following is an entry in ClinVar:

NM_144498.4(OSBPL2):c.829G>C (p.Gly277Arg)

Gene: OSBPL2 (oxysterol binding protein like 2; plus strand). Cytogenetic location: 20q13.33.
Variant type: single nucleotide variant.
Coding change: c.829G>C on transcript NM_144498.4 (MANE Select); coding-DNA position 829, G replaced by C.
Protein change: p.Gly277Arg; replaces glycine 277 with arginine.
Molecular consequence: missense variant.
Genome position (GRCh38, 1-based): chr20:62,281,836, G>C. VCF-style: chr20-62281836-G-C. GRCh37 (hg19) VCF-style: chr20-60856892-G-C.
Other names: c.553G>C, p.Gly185Arg (NM_001278649.3, NM_001363878.2); c.793G>C, p.Gly265Arg (NM_014835.5); short protein forms G277R, G185R, G265R.
Identifiers: ClinVar variation 4981819 (VCV004981819.1).

ClinVar aggregate classification (germline): Uncertain significance (1 of 4 stars; one submission).

Conditions:
OSBPL2-related disorder. Also called: OSBPL2-related condition.

Submission:

PreventionGenetics, part of Exact Sciences
Classification: Uncertain significance for OSBPL2-related condition. Last evaluated: 2026-05-21. Review status: criteria provided, single submitter. Criteria: ACMG Guidelines, 2015. Collection method: clinical testing. Allele origin: germline.
Comment: The OSBPL2 c.829G>C variant is predicted to result in the amino acid substitution p.Gly277Arg. To our knowledge, this variant has not been reported in the literature or in a large population database (gnomAD), indicating this variant is rare. At this time, the clinical significance of this variant is uncertain due to the absence of conclusive functional and genetic evidence.